The following is an entry in ClinVar:

NM_177438.2(DICER1):c.4051delG

Gene: DICER1 (dicer 1, ribonuclease III; minus strand). Cytogenetic location: 14q32.13.
Variant type: Deletion.
Coding change: c.4051delG on transcript NM_177438.2; coding-DNA position 4051, one base deleted (G).
Genome position (GRCh38, 1-based): chr14:95,099,935, C deleted on the plus strand (G on the coding strand, the reverse complement: DICER1 is on the minus strand); the first of 2 consecutive C bases (chr14:95,099,935-95,099,936); deleting either gives the same sequence. VCF-style (leftmost placement, unchanged base first): chr14-95099934-AC-A. GRCh37 (hg19) VCF-style: chr14-95566271-AC-A.
Identifiers: ClinVar variation 3272047 (VCV003272047.1).

ClinVar aggregate classification (germline): Likely pathogenic (1 of 4 stars; one submission).

Conditions:
Hereditary cancer-predisposing syndrome. Also called: Neoplastic Syndromes, Hereditary; Tumor predisposition; Hereditary Cancer Syndrome; Hereditary neoplastic syndrome. Identifiers: Orphanet 140162, MedGen C0027672, MeSH D009386, MONDO:0015356.

Submission:

Ambry Genetics
Classification: Likely pathogenic for Hereditary cancer-predisposing syndrome. Last evaluated: 2024-06-21. Review status: criteria provided, single submitter. Criteria: Ambry Variant Classification Scheme 2023. Collection method: clinical testing. Allele origin: germline.
Comment: The c.4051delG variant, located in coding exon 21 of the DICER1 gene, results from a deletion of one nucleotide at nucleotide position 4051, causing a translational frameshift with a predicted alternate stop codon (p.V1351Sfs*28). However, this change occurs in the first base pair of coding exon 21, which means it may have some effect on normal mRNA splicing. This nucleotide position is highly conserved in available vertebrate species. In silico splice site analysis predicts that this alteration will weaken the native splice acceptor site and will result in the creation or strengthening of a novel splice acceptor site. RNA studies have demonstrated that this alteration results in abnormal splicing in the set of samples tested (Ambry internal data). This variant is considered to be rare based on population cohorts in the Genome Aggregation Database (gnomAD). Based on the majority of available evidence to date, this variant is likely to be pathogenic.